The following is an entry in ClinVar:

ClinVar aggregate classification (germline): Pathogenic/Likely pathogenic. Review status: criteria provided, multiple submitters, no conflicts (2 of 4 stars). 4 submissions from 4 submitters: Pathogenic (1); Likely pathogenic (2). 1 of the submissions does not count toward it. Last evaluated 2024-09-04.

Conditions:
Wilson disease (WND). Also called: Wilson's disease. Identifiers: Orphanet 905, MedGen C0019202, MONDO:0010200, OMIM 277900. Disease mechanism: loss of function.

Submissions (4):

Labcorp Genetics (formerly Invitae), Labcorp
Classification: Pathogenic for Wilson disease. Last evaluated: 2024-09-04. Review status: criteria provided, single submitter. Criteria: Invitae Variant Classification Sherloc (09022015). Collection method: clinical testing. Allele origin: germline.
Comment: This sequence change creates a premature translational stop signal (p.Met671Ilefs*3) in the ATP7B gene. It is expected to result in an absent or disrupted protein product. Loss-of-function variants in ATP7B are known to be pathogenic (PMID: 10441329, 16283883). This variant is not present in population databases (gnomAD no frequency). This variant has not been reported in the literature in individuals affected with ATP7B-related conditions. For these reasons, this variant has been classified as Pathogenic.

Fulgent Genetics
Classification: Likely pathogenic for Wilson disease. Last evaluated: 2024-01-04. Review status: criteria provided, single submitter. Criteria: ACMG Guidelines, 2015. Collection method: clinical testing. Allele origin: germline.

Baylor Genetics
Classification: Likely pathogenic for Wilson disease. Last evaluated: 2022-07-28. Review status: criteria provided, single submitter. Criteria: ACMG Guidelines, 2015. Collection method: clinical testing. Allele origin: unknown.

Counsyl
Classification: Likely pathogenic for Wilson disease. Last evaluated: 2018-02-06. Review status: no assertion criteria provided. Collection method: clinical testing. Allele origin: unknown. Not counted in ClinVar's aggregate classification.

Literature cited by the submitters: PubMed 10441329 (cited by Labcorp Genetics (formerly Invitae), Labcorp); PubMed 16283883 (cited by Labcorp Genetics (formerly Invitae), Labcorp).

NM_000053.4(ATP7B):c.2011_2012dup (p.Met671fs)

Gene: ATP7B (ATPase copper transporting beta; minus strand). Cytogenetic location: 13q14.3.
Variant type: Microsatellite.
Coding change: c.2011_2012dup on transcript NM_000053.4 (MANE Select); coding-DNA positions 2011 to 2012, 2 bases duplicated (AT; older notation c.2011_2012dupAT).
Protein change: p.Met671fs; shifts the reading frame from methionine 671.
Molecular consequence: frameshift variant. On other transcripts: intron variant (2).
Genome position (GRCh38, 1-based): chr13:51,960,257-51,960,258, AT duplicated on the plus strand (AT on the coding strand, the reverse complement: ATP7B is on the minus strand); duplicating any 2 consecutive bases within chr13:51,960,257-51,960,261 gives the same sequence; the c. name uses the placement nearest the transcript's 3' end. VCF-style (leftmost placement, unchanged base first): chr13-51960256-C-CAT. GRCh37 (hg19) VCF-style: chr13-52534392-C-CAT.
Other names: c.1678_1679dup, p.Met560fs (NM_001243182.2); c.2011_2012dup, p.Met671fs (NM_001330578.2); c.1870-2653AT[3] (NM_001005918.3); c.1870-1716AT[3] (NM_001330579.2); short protein forms M560fs, M671fs.
Identifiers: ClinVar variation 556469 (VCV000556469.7), dbSNP rs1555291870, ClinGen allele CA658823714.